The following is an entry in ClinVar:

ClinVar aggregate classification (germline): Uncertain significance (1 of 4 stars; one submission).

Conditions:
Inborn genetic diseases. Identifiers: MedGen C0950123, MeSH D030342.

Submission:

Ambry Genetics
Classification: Uncertain significance for Inborn genetic diseases. Last evaluated: 2024-07-06. Review status: criteria provided, single submitter. Criteria: Ambry Variant Classification Scheme 2023. Collection method: clinical testing. Allele origin: germline.
Comment: The p.F2444L variant (also known as c.7330T>C), located in coding exon 43 of the ATR gene, results from a T to C substitution at nucleotide position 7330. The phenylalanine at codon 2444 is replaced by leucine, an amino acid with highly similar properties. This amino acid position is conserved. In addition, this alteration is predicted to be deleterious by in silico analysis. Based on the available evidence, the clinical significance of this variant remains unclear.

NM_001184.4(ATR):c.7330T>C (p.Phe2444Leu)

Gene: ATR (ATR serine/threonine kinase; minus strand). Cytogenetic location: 3q23.
Variant type: single nucleotide variant.
Coding change: c.7330T>C on transcript NM_001184.4 (MANE Select); coding-DNA position 7330, T replaced by C.
Protein change: p.Phe2444Leu; replaces phenylalanine 2444 with leucine.
Molecular consequence: missense variant.
Genome position (GRCh38, 1-based): chr3:142,459,246, A>G on the plus strand (T>C on the coding strand, the complement: ATR is on the minus strand). VCF-style: chr3-142459246-A-G. GRCh37 (hg19) VCF-style: chr3-142178088-A-G.
Other names: c.7138T>C, p.Phe2380Leu (NM_001354579.2); short protein forms F2380L, F2444L.
Identifiers: ClinVar variation 3462411 (VCV003462411.1).
Genomic context (GRCh38, chr3:142,459,246, plus strand): 5'-ACATTCAACCATAACAACGTATTATATTCTTGGTAACTTACCATGATGTAGGATCAGGGA[A>G]TGTTCTCAGAAACCACTCATGAAAAATAGGAGGATGCCTGGGCAGGAGAAATTCTCGGAA-3'
Protein context (NP_001175.2, residues 2434-2454): PIFHEWFLRT[Phe2444Leu]PDPTSWYSSR